The following is an entry in ClinVar:

ClinVar aggregate classification (germline): Uncertain significance. Review status: criteria provided, multiple submitters, no conflicts (2 of 4 stars). 2 submissions from 2 submitters: Uncertain significance (2). Last evaluated 2024-05-21.

Conditions:
Inborn genetic diseases. Identifiers: MedGen C0950123, MeSH D030342.
Hereditary sensory neuropathy-deafness-dementia syndrome. Also called: Hereditary sensory neuropathy type IE; NEUROPATHY, HEREDITARY SENSORY, WITH HEARING LOSS AND DEMENTIA; Hereditary Sensory and Autonomic Neuropathy Type 1E (HSAN1E); HSN IE. Identifiers: Orphanet 456318, MedGen C3279885, MONDO:0013584, OMIM 614116.

Allele frequency attached by ClinVar (database versions not stated): TOPMed below 0.00001.
gnomAD v4.1: 2 of 1,614,116 alleles (0.00012%); highest among the groups gnomAD compares: Non-Finnish European, 0.00017%; no homozygotes.

Submissions (2):

Labcorp Genetics (formerly Invitae), Labcorp
Classification: Uncertain significance for Hereditary sensory neuropathy-deafness-dementia syndrome. Last evaluated: 2024-05-21. Review status: criteria provided, single submitter. Criteria: Invitae Variant Classification Sherloc (09022015). Collection method: clinical testing. Allele origin: germline.
Comment: This sequence change replaces aspartic acid, which is acidic and polar, with asparagine, which is neutral and polar, at codon 932 of the DNMT1 protein (p.Asp932Asn). This variant is not present in population databases (gnomAD no frequency). This variant has not been reported in the literature in individuals affected with DNMT1-related conditions. ClinVar contains an entry for this variant (Variation ID: 539602). Advanced modeling of protein sequence and biophysical properties (such as structural, functional, and spatial information, amino acid conservation, physicochemical variation, residue mobility, and thermodynamic stability) performed at Invitae indicates that this missense variant is not expected to disrupt DNMT1 protein function with a negative predictive value of 80%. In summary, the available evidence is currently insufficient to determine the role of this variant in disease. Therefore, it has been classified as a Variant of Uncertain Significance.

Ambry Genetics
Classification: Uncertain significance for Inborn genetic diseases. Last evaluated: 2022-09-26. Review status: criteria provided, single submitter. Criteria: Ambry Variant Classification Scheme 2023. Collection method: clinical testing. Allele origin: germline.
Comment: The p.D916N variant (also known as c.2746G>A), located in coding exon 27 of the DNMT1 gene, results from a G to A substitution at nucleotide position 2746. The aspartic acid at codon 916 is replaced by asparagine, an amino acid with highly similar properties. This amino acid position is not well conserved in available vertebrate species. In addition, this alteration is predicted to be tolerated by in silico analysis. Since supporting evidence is limited at this time, the clinical significance of this alteration remains unclear.

NM_001130823.3(DNMT1):c.2794G>A (p.Asp932Asn)

Gene: DNMT1 (DNA methyltransferase 1; minus strand). Cytogenetic location: 19p13.2.
Variant type: single nucleotide variant.
Coding change: c.2794G>A on transcript NM_001130823.3 (MANE Select); coding-DNA position 2794, G replaced by A.
Protein change: p.Asp932Asn; replaces aspartic acid 932 with asparagine.
Molecular consequence: missense variant.
Genome position (GRCh38, 1-based): chr19:10,146,451, C>T on the plus strand (G>A on the coding strand, the complement: DNMT1 is on the minus strand). VCF-style: chr19-10146451-C-T. GRCh37 (hg19) VCF-style: chr19-10257127-C-T.
Other names: c.2794G>A (LRG_362t1); c.2746G>A, p.Asp916Asn (NM_001318730.2, NM_001379.4); c.2431G>A, p.Asp811Asn (NM_001318731.2); short protein forms D932N, D811N, D916N.
Identifiers: ClinVar variation 539602 (VCV000539602.10), dbSNP rs910412179, ClinGen allele CA305225900.